The following is an entry in ClinVar:

NM_014915.3(ANKRD26):c.2131C>T (p.Leu711Phe)

Gene: ANKRD26 (ankyrin repeat domain 26; minus strand). Cytogenetic location: 10p12.1.
Variant type: single nucleotide variant.
Coding change: c.2131C>T on transcript NM_014915.3 (MANE Select); coding-DNA position 2131, C replaced by T.
Protein change: p.Leu711Phe; replaces leucine 711 with phenylalanine.
Molecular consequence: missense variant.
Genome position (GRCh38, 1-based): chr10:27,043,456, G>A on the plus strand (C>T on the coding strand, the complement: ANKRD26 is on the minus strand). VCF-style: chr10-27043456-G-A. GRCh37 (hg19) VCF-style: chr10-27332385-G-A.
Other names: c.2128C>T, p.Leu710Phe (NM_001256053.2); short protein forms L711F, L710F.
Identifiers: ClinVar variation 3397134 (VCV003397134.2).

ClinVar aggregate classification (germline): Uncertain significance. Review status: criteria provided, multiple submitters, no conflicts (2 of 4 stars). 2 submissions from 2 submitters: Uncertain significance (2). Last evaluated 2025-09-20.

Conditions:
Inborn genetic diseases. Identifiers: MedGen C0950123, MeSH D030342.

gnomAD v4.1: 1 of 1,613,956 alleles (0.000062%); no homozygotes.

Submissions (2):

Labcorp Genetics (formerly Invitae), Labcorp
Classification: Uncertain significance. Last evaluated: 2025-09-20. Review status: criteria provided, single submitter. Criteria: Invitae Variant Classification Sherloc (09022015). Collection method: clinical testing. Allele origin: germline.
Comment: This sequence change replaces leucine, which is neutral and non-polar, with phenylalanine, which is neutral and non-polar, at codon 711 of the ANKRD26 protein (p.Leu711Phe). This variant is not present in population databases (gnomAD no frequency). This variant has not been reported in the literature in individuals affected with ANKRD26-related conditions. ClinVar contains an entry for this variant (Variation ID: 3397134). An algorithm developed to predict the effect of missense changes on protein structure and function (PolyPhen-2) suggests that this variant is likely to be disruptive. In summary, the available evidence is currently insufficient to determine the role of this variant in disease. Therefore, it has been classified as a Variant of Uncertain Significance.

Ambry Genetics
Classification: Uncertain significance for Inborn genetic diseases. Last evaluated: 2024-12-04. Review status: criteria provided, single submitter. Criteria: Ambry Variant Classification Scheme 2023. Collection method: clinical testing. Allele origin: germline.
Comment: The p.L711F variant (also known as c.2131C>T), located in coding exon 20 of the ANKRD26 gene, results from a C to T substitution at nucleotide position 2131. The leucine at codon 711 is replaced by phenylalanine, an amino acid with highly similar properties. This amino acid position is conserved. In addition, this alteration is predicted to be tolerated by in silico analysis. Based on the available evidence, the clinical significance of this variant remains unclear.